The following is an entry in ClinVar:

NM_014363.6(SACS):c.9438T>A (p.Asn3146Lys)

Gene: SACS (sacsin molecular chaperone; minus strand). Cytogenetic location: 13q12.12.
Variant type: single nucleotide variant.
Coding change: c.9438T>A on transcript NM_014363.6 (MANE Select); coding-DNA position 9438, T replaced by A.
Protein change: p.Asn3146Lys; replaces asparagine 3146 with lysine.
Molecular consequence: missense variant.
Genome position (GRCh38, 1-based): chr13:23,334,438, A>T on the plus strand (T>A on the coding strand, the complement: SACS is on the minus strand). VCF-style: chr13-23334438-A-T. GRCh37 (hg19) VCF-style: chr13-23908577-A-T.
Other names: c.8997T>A, p.Asn2999Lys (NM_001278055.2); short protein forms N2999K, N3146K.
Identifiers: ClinVar variation 3571781 (VCV003571781.1).
Genomic context (GRCh38, chr13:23,334,438, plus strand): 5'-AAAAGTTTGCAAAACACTGTCCAGTGTGATGAGAAGGGGCAATCCCTCAACTTCAATCTC[A>T]TTTTCTTCTGCATCTTTAAAACAATAATCAACTAAAAGTTTTAAACTATGAAAAAGTTTT-3'
Protein context (NP_055178.3, residues 3136-3156): VDYCFKDAEE[Asn3146Lys]EIEVEGLPLL

ClinVar aggregate classification (germline): Uncertain significance (1 of 4 stars; one submission).

Submission:

Athena Diagnostics
Classification: Uncertain significance. Last evaluated: 2024-04-03. Review status: criteria provided, single submitter. Criteria: Athena Diagnostics Criteria. Collection method: clinical testing. Allele origin: unknown.
Comment: Available data are insufficient to determine the clinical significance of the variant at this time. This variant has not been reported in large, multi-ethnic general populations. Computational tools predict that this variant is not damaging.